The following is an entry in ClinVar:

NM_182931.3(KMT2E):c.3826C>T (p.Arg1276Ter)

Gene: KMT2E (lysine methyltransferase 2E (inactive); plus strand). Cytogenetic location: 7q22.3.
Variant type: single nucleotide variant.
Coding change: c.3826C>T on transcript NM_182931.3 (MANE Select); coding-DNA position 3826, C replaced by T.
Protein change: p.Arg1276Ter; replaces arginine 1276 with a stop codon.
Molecular consequence: nonsense.
Genome position (GRCh38, 1-based): chr7:105,110,350, C>T. VCF-style: chr7-105110350-C-T. GRCh37 (hg19) VCF-style: chr7-104750797-C-T.
Other names: c.3826C>T, p.Arg1276Ter (NM_001410908.1, NM_018682.4); short protein forms R1276*.
Identifiers: ClinVar variation 3698655 (VCV003698655.4).

ClinVar aggregate classification (germline): Pathogenic. Review status: criteria provided, multiple submitters, no conflicts (2 of 4 stars). 2 submissions from 2 submitters: Pathogenic (2). Last evaluated 2025-09-08.

Conditions:
O'Donnell-Luria-Rodan syndrome (ODLURO). Also called: KMT2E-Related Neurodevelopmental Disorder. Identifiers: MedGen C5193138, MONDO:0032793, OMIM 618512.

Submissions (2):

Victorian Clinical Genetics Services, Murdoch Childrens Research Institute
Classification: Pathogenic for O'Donnell-Luria-Rodan syndrome. Last evaluated: 2025-09-08. Review status: criteria provided, single submitter. Criteria: ACMG Guidelines, 2015. Collection method: clinical testing. Allele origin: germline. Affected: yes.
Comment: This variant is classified as Pathogenic. Evidence in support of pathogenic classification: Variant is predicted to cause nonsense-mediated decay (NMD) and loss of protein (premature termination codon is located at least 54 nucleotides upstream of the final exon-exon junction); Variant is absent from gnomAD (v2, v3 and v4); This variant has limited previous evidence of pathogenicity in an unrelated individual(s). This variant has been classified as pathogenic (ClinVar); Other NMD-predicted variant(s) comparable to the one identified in this case have very strong previous evidence for pathogenicity (DECIPHER). Additional information: This variant is heterozygous; This gene is associated with autosomal dominant disease; No published evidence of segregation with disease has been identified for this variant; No published functional evidence has been identified for this variant; Loss of function is a known mechanism of disease in this gene and is associated with O'Donnell-Luria-Rodan syndrome (MIM#618512); The condition associated with this gene has incomplete penetrance. Rarely, individuals have inherited a pathogenic variant from a mildly affected parent (PMID: 31079897, 34321323, 38648332); Variants in this gene are known to have variable expressivity. Rarely, individuals have inherited a pathogenic variant from a mildly affected parent (PMID: 34321323, 38648332).

Labcorp Genetics (formerly Invitae), Labcorp
Classification: Pathogenic. Last evaluated: 2024-08-12. Review status: criteria provided, single submitter. Criteria: Invitae Variant Classification Sherloc (09022015). Collection method: clinical testing. Allele origin: germline.
Comment: This sequence change creates a premature translational stop signal (p.Arg1276*) in the KMT2E gene. It is expected to result in an absent or disrupted protein product. Loss-of-function variants in KMT2E are known to be pathogenic (PMID: 31079897). This variant is not present in population databases (gnomAD no frequency). This variant has not been reported in the literature in individuals affected with KMT2E-related conditions. For these reasons, this variant has been classified as Pathogenic.

Literature cited by the submitters: PubMed 34321323 (cited by Victorian Clinical Genetics Services, Murdoch Childrens Research Institute); PubMed 31079897 (cited by Victorian Clinical Genetics Services, Murdoch Childrens Research Institute and Labcorp Genetics (formerly Invitae), Labcorp); PubMed 38648332 (cited by Victorian Clinical Genetics Services, Murdoch Childrens Research Institute).